The following is an entry in ClinVar:

NC_012920.1(MT-ND1):m.3808A>G

Gene: MT-ND1 (mitochondrially encoded NADH dehydrogenase 1; plus strand).
Variant type: single nucleotide variant.
Genome position: chrM-3808-A-G.
Identifiers: ClinVar variation 692402 (VCV000692402.1), dbSNP rs2854135, ClinGen allele CA337096682.

ClinVar aggregate classification (germline): Likely benign (1 of 4 stars; one submission).

Conditions:
Leigh syndrome (NULS). Also called: Leigh's necrotizing encephalopathy; Leigh's disease; Leigh Syndrome (mtDNA deletion); Leigh Disease; Subacute necrotizing encephalopathy; Necrotizing encephalopathy infantile subacute of Leigh. Identifiers: Orphanet 506, MedGen C2931891, MONDO:0009723, OMIM 256000.

Submission:

Wong Mito Lab, Molecular and Human Genetics, Baylor College of Medicine
Classification: Likely benign for Leigh syndrome. Last evaluated: 2019-10-17. Review status: criteria provided, single submitter. Criteria: Modified ACMG Guidelines (Unpublished). Collection method: clinical testing. Allele origin: germline.
Comment: The NC_012920.1:m.3808A>G (YP_003024026.1:p.Thr168Ala) variant in MTND1 gene is interpretated to be a Likely Benign variant based on the modified ACMG guidelines (unpublished). This variant meets the following evidence codes: BS1, BP4